The following is an entry in ClinVar:

ClinVar aggregate classification (germline): Uncertain significance (1 of 4 stars; one submission).

Conditions:
Hereditary cancer-predisposing syndrome. Also called: Tumor predisposition; Hereditary Cancer Syndrome; Neoplastic Syndromes, Hereditary; Hereditary neoplastic syndrome. Identifiers: Orphanet 140162, MedGen C0027672, MeSH D009386, MONDO:0015356.

Submission:

Ambry Genetics
Classification: Uncertain significance for Hereditary cancer-predisposing syndrome. Last evaluated: 2019-03-12. Review status: criteria provided, single submitter. Criteria: Ambry Variant Classification Scheme 2023. Collection method: clinical testing. Allele origin: germline.
Comment: The p.R996S variant (also known as c.2988A>T) is located in coding exon 18 of the DICER1 gene. The arginine at codon 996 is replaced by serine, an amino acid with dissimilar properties. This change occurs in the first base pair of coding exon 18. This amino acid position is highly conserved in available vertebrate species. In addition, the in silico prediction for this alteration is inconclusive. Since supporting evidence is limited at this time, the clinical significance of this alteration remains unclear.

NM_177438.3(DICER1):c.2988A>T (p.Arg996Ser)

Gene: DICER1 (dicer 1, ribonuclease III; minus strand). Cytogenetic location: 14q32.13.
Variant type: single nucleotide variant.
Coding change: c.2988A>T on transcript NM_177438.3 (MANE Select); coding-DNA position 2988, A replaced by T.
Protein change: p.Arg996Ser; replaces arginine 996 with serine.
Molecular consequence: missense variant.
Genome position (GRCh38, 1-based): chr14:95,105,783, T>A on the plus strand (A>T on the coding strand, the complement: DICER1 is on the minus strand). VCF-style: chr14-95105783-T-A. GRCh37 (hg19) VCF-style: chr14-95572120-T-A.
Other names: c.2988A>T, p.Arg996Ser (NM_001195573.1, NM_001271282.3, NM_001291628.2 and 1 more transcripts); short protein forms R996S.
Identifiers: ClinVar variation 822440 (VCV000822440.4), dbSNP rs1595372911, ClinGen allele CA390878650.